The following is an entry in ClinVar:

ClinVar aggregate classification (germline): Uncertain significance (1 of 4 stars; one submission).

Conditions:
Hearing loss, X-linked 4 (DFNX4). Also called: DEAFNESS, NONSYNDROMIC SENSORINEURAL PROGRESSIVE 6; DEAFNESS, X-LINKED 6, PROGRESSIVE. Identifiers: Orphanet 90625, MedGen C1848204, MONDO:0010238, OMIM 300066.

Submission:

Neuberg Centre For Genomic Medicine, NCGM
Classification: Uncertain significance for Hearing loss, X-linked 4. Review status: criteria provided, single submitter. Criteria: ACMG Guidelines, 2015. Collection method: clinical testing. Allele origin: germline. Inheritance: X-linked dominant inheritance. Affected: yes.
Comment: The missense c.197C>Gp.Pro66Arg variant in SMPX gene has not been reported previously as a pathogenic variant nor as a benign variant, to our knowledge. This variant is novel not in any individuals in gnomAD Exomes and 1000 Genomes. The amino acid Pro at position 66 is changed to a Arg changing protein sequence and it might alter its composition and physico-chemical properties. The amino acid change p.Pro66Arg in SMPX is predicted as conserved by GERP++ and PhyloP across 100 vertebrates. The variant is predicted as damaging by SIFT. For these reasons, this variant has been classified as Uncertain Significance.

NM_014332.3(SMPX):c.197C>G (p.Pro66Arg)

Gene: SMPX (small muscle protein X-linked; minus strand). Cytogenetic location: Xp22.12.
Variant type: single nucleotide variant.
Coding change: c.197C>G on transcript NM_014332.3 (MANE Select); coding-DNA position 197, C replaced by G.
Protein change: p.Pro66Arg; replaces proline 66 with arginine.
Molecular consequence: missense variant. On other transcripts: non-coding transcript variant (1).
Genome position (GRCh38, 1-based): chrX:21,737,633, G>C on the plus strand (C>G on the coding strand, the complement: SMPX is on the minus strand). VCF-style: chrX-21737633-G-C. GRCh37 (hg19) VCF-style: chrX-21755751-G-C.
Other names: short protein forms P66R.
Identifiers: ClinVar variation 3234846 (VCV003234846.1), dbSNP rs2519503863, ClinGen allele CA412562322.
Genomic context (GRCh38, chrX:21,737,633, plus strand): 5'-GCTTTGGGGACATATTTTAGTTCACTTTTAATATTCTGGATTTCCGATAGATTGACTGCA[G>C]GTCCTGGAAGTTTCTTCGCTCCTGGAATTGGCTTCTTCTCCTCATCCGAGGTGGGAGGAA-3'
Protein context (NP_055147.1, residues 56-76): PIPGAKKLPG[Pro66Arg]AVNLSEIQNI